The following is an entry in ClinVar:

ClinVar aggregate classification (germline): Pathogenic (1 of 4 stars; one submission).

Submission:

Labcorp Genetics (formerly Invitae), Labcorp
Classification: Pathogenic. Last evaluated: 2021-06-11. Review status: criteria provided, single submitter. Criteria: Invitae Variant Classification Sherloc (09022015). Collection method: clinical testing. Allele origin: germline.
Comment: This variant is present in population databases (rs746778765, ExAC 0.01%). This sequence change creates a premature translational stop signal (p.Lys489Argfs*47) in the GFM1 gene. It is expected to result in an absent or disrupted protein product. Loss-of-function variants in GFM1 are known to be pathogenic (PMID: 16632485, 17160893). This variant has not been reported in the literature in individuals with GFM1-related conditions. For these reasons, this variant has been classified as Pathogenic.

Literature cited by the submitters: PubMed 16632485; PubMed 17160893.

NM_024996.7(GFM1):c.1466_1467del (p.Lys489fs)

Gene: GFM1 (G elongation factor mitochondrial 1; plus strand). Cytogenetic location: 3q25.32.
Variant type: Deletion.
Coding change: c.1466_1467del on transcript NM_024996.7 (MANE Select); coding-DNA positions 1466 to 1467, 2 bases deleted (AA; older notation c.1466_1467delAA).
Protein change: p.Lys489fs; shifts the reading frame from lysine 489.
Molecular consequence: frameshift variant. On other transcripts: non-coding transcript variant (4).
Genome position (GRCh38, 1-based): chr3:158,665,422-158,665,423, AA deleted; deleting any 2 consecutive bases within chr3:158,665,421-158,665,423 gives the same sequence; the c. name uses the placement nearest the transcript's 3' end. VCF-style (leftmost placement, unchanged base first): chr3-158665420-CAA-C. GRCh37 (hg19) VCF-style: chr3-158383209-CAA-C.
Other names: c.1523_1524del, p.Lys508fs (NM_001308164.2); c.1466_1467del, p.Lys489fs (NM_001308166.2); c.1385_1386del, p.Lys462fs (NM_001374355.1); c.1349_1350del, p.Lys450fs (NM_001374356.1); c.1241_1242del, p.Lys414fs (NM_001374357.1); c.1007_1008del, p.Lys336fs (NM_001374358.1); c.899_900del, p.Lys300fs (NM_001374359.1, NM_001374360.1); c.782_783del, p.Lys261fs (NM_001374361.1); short protein forms K261fs, K300fs, K336fs, K414fs, K450fs, K462fs, K489fs, K508fs.
Identifiers: ClinVar variation 1070355 (VCV001070355.7), dbSNP rs746778765, ClinGen allele CA2682663.